The following is an entry in ClinVar:

ClinVar aggregate classification (germline): Pathogenic. Review status: criteria provided, multiple submitters, no conflicts (2 of 4 stars). 2 submissions from 2 submitters: Pathogenic (2). Last evaluated 2024-10-21.

Conditions:
Microcephaly, normal intelligence and immunodeficiency (NBS). Also called: BERLIN BREAKAGE SYNDROME; Ataxia telangiectasia variant V1; IMMUNODEFICIENCY, MICROCEPHALY, AND CHROMOSOMAL INSTABILITY; SEEMANOVA SYNDROME II; Immunodeficiency, microcephaly with normal intelligence; Nijmegen breakage syndrome. Identifiers: Orphanet 647, MedGen C0398791, MONDO:0009623, OMIM 251260.
Hereditary cancer-predisposing syndrome. Also called: Tumor predisposition; Neoplastic Syndromes, Hereditary; Hereditary Cancer Syndrome; Hereditary neoplastic syndrome. Identifiers: Orphanet 140162, MedGen C0027672, MeSH D009386, MONDO:0015356.

Allele frequency attached by ClinVar (database versions not stated): gnomAD exomes below 0.00001.
gnomAD v4.1: 1 of 1,599,138 alleles (0.000063%); highest among the groups gnomAD compares: Non-Finnish European, 0.000086%; no homozygotes.

Submissions (2):

Ambry Genetics
Classification: Pathogenic for Hereditary cancer-predisposing syndrome. Last evaluated: 2024-10-21. Review status: criteria provided, single submitter. Criteria: Ambry Variant Classification Scheme 2023. Collection method: clinical testing. Allele origin: germline.
Comment: The p.Q681* pathogenic mutation (also known as c.2041C>T), located in coding exon 13 of the NBN gene, results from a C to T substitution at nucleotide position 2041. This changes the amino acid from a glutamine to a stop codon within coding exon 13. This variant is considered to be rare based on population cohorts in the Genome Aggregation Database (gnomAD). This alteration is expected to result in loss of function by premature protein truncation or nonsense-mediated mRNA decay. As such, this alteration is interpreted as a disease-causing mutation.

Labcorp Genetics (formerly Invitae), Labcorp
Classification: Pathogenic for Microcephaly, normal intelligence and immunodeficiency. Last evaluated: 2021-10-18. Review status: criteria provided, single submitter. Criteria: Invitae Variant Classification Sherloc (09022015). Collection method: clinical testing. Allele origin: germline.
Comment: For these reasons, this variant has been classified as Pathogenic. ClinVar contains an entry for this variant (Variation ID: 485928). This variant has not been reported in the literature in individuals affected with NBN-related conditions. This variant is not present in population databases (gnomAD no frequency). This sequence change creates a premature translational stop signal (p.Gln681*) in the NBN gene. It is expected to result in an absent or disrupted protein product. Loss-of-function variants in NBN are known to be pathogenic (PMID: 9590180, 16415040).

Literature cited by the submitters: PubMed 9590180 (cited by Labcorp Genetics (formerly Invitae), Labcorp); PubMed 16415040 (cited by Labcorp Genetics (formerly Invitae), Labcorp).

NM_002485.5(NBN):c.2041C>T (p.Gln681Ter)

Gene: NBN (nibrin; minus strand). Cytogenetic location: 8q21.3.
Variant type: single nucleotide variant.
Coding change: c.2041C>T on transcript NM_002485.5 (MANE Select); coding-DNA position 2041, C replaced by T.
Protein change: p.Gln681Ter; replaces glutamine 681 with a stop codon.
Molecular consequence: nonsense.
Genome position (GRCh38, 1-based): chr8:89,946,169, G>A on the plus strand (C>T on the coding strand, the complement: NBN is on the minus strand). VCF-style: chr8-89946169-G-A. GRCh37 (hg19) VCF-style: chr8-90958397-G-A.
Other names: c.1795C>T, p.Gln599Ter (NM_001024688.3); short protein forms Q681*, Q599*.
Identifiers: ClinVar variation 485928 (VCV000485928.12), dbSNP rs1554556485, ClinGen allele CA371676380.